The following is an entry in ClinVar:

NM_024915.4(GRHL2):c.1692G>T (p.Met564Ile)

Gene: GRHL2 (grainyhead like transcription factor 2; plus strand). Cytogenetic location: 8q22.3.
Variant type: single nucleotide variant.
Coding change: c.1692G>T on transcript NM_024915.4 (MANE Select); coding-DNA position 1692, G replaced by T.
Protein change: p.Met564Ile; replaces methionine 564 with isoleucine.
Molecular consequence: missense variant.
Genome position (GRCh38, 1-based): chr8:101,649,493, G>T. VCF-style: chr8-101649493-G-T. GRCh37 (hg19) VCF-style: chr8-102661721-G-T.
Other names: c.1692G>T (NM_024915.3); c.1644G>T, p.Met548Ile (NM_001330593.2); short protein forms M548I, M564I.
Identifiers: ClinVar variation 1987587 (VCV001987587.6), dbSNP rs369314800, ClinGen allele CA4830665.

ClinVar aggregate classification (germline): Uncertain significance. Review status: criteria provided, multiple submitters, no conflicts (2 of 4 stars). 3 submissions from 3 submitters: Uncertain significance (3). Last evaluated 2026-04-28.

Conditions:
Inborn genetic diseases. Identifiers: MedGen C0950123, MeSH D030342.
GRHL2-related disorder. Also called: GRHL2-related disorders; GRHL2-related condition.

Allele frequency attached by ClinVar (database versions not stated): TOPMed 0.00003; ExAC 0.00004; ESP Exome Variant Server 0.00008.
gnomAD v4.1: 112 of 1,612,702 alleles (0.0069%); highest among the groups gnomAD compares: Non-Finnish European, 0.0087%; no homozygotes.

Submissions (3):

PreventionGenetics, part of Exact Sciences
Classification: Uncertain significance for GRHL2-related condition. Last evaluated: 2026-04-28. Review status: criteria provided, single submitter. Criteria: ACMG Guidelines, 2015. Collection method: clinical testing. Allele origin: germline.
Comment: The GRHL2 c.1692G>T variant is predicted to result in the amino acid substitution p.Met564Ile. To our knowledge, this variant has not been reported in the literature. This variant is reported in 0.0053% of alleles in individuals of European (Non-Finnish) descent in gnomAD. At this time, the clinical significance of this variant is uncertain due to the absence of conclusive functional and genetic evidence.

Ambry Genetics
Classification: Uncertain significance for Inborn genetic diseases. Last evaluated: 2025-02-24. Review status: criteria provided, single submitter. Criteria: Ambry Variant Classification Scheme 2023. Collection method: clinical testing. Allele origin: germline.

Labcorp Genetics (formerly Invitae), Labcorp
Classification: Uncertain significance. Last evaluated: 2022-01-28. Review status: criteria provided, single submitter. Criteria: Invitae Variant Classification Sherloc (09022015). Collection method: clinical testing. Allele origin: germline.
Comment: In summary, the available evidence is currently insufficient to determine the role of this variant in disease. Therefore, it has been classified as a Variant of Uncertain Significance. Algorithms developed to predict the effect of missense changes on protein structure and function (SIFT, PolyPhen-2, Align-GVGD) all suggest that this variant is likely to be tolerated. This variant has not been reported in the literature in individuals affected with GRHL2-related conditions. This variant is present in population databases (rs369314800, gnomAD 0.005%). This sequence change replaces methionine, which is neutral and non-polar, with isoleucine, which is neutral and non-polar, at codon 564 of the GRHL2 protein (p.Met564Ile).